The following is an entry in ClinVar:

NM_005045.4(RELN):c.7093G>C (p.Val2365Leu)

Gene: RELN (reelin; minus strand). Cytogenetic location: 7q22.1.
Variant type: single nucleotide variant.
Coding change: c.7093G>C on transcript NM_005045.4 (MANE Select); coding-DNA position 7093, G replaced by C.
Protein change: p.Val2365Leu; replaces valine 2365 with leucine.
Molecular consequence: missense variant.
Genome position (GRCh38, 1-based): chr7:103,539,165, C>G on the plus strand (G>C on the coding strand, the complement: RELN is on the minus strand). VCF-style: chr7-103539165-C-G. GRCh37 (hg19) VCF-style: chr7-103179612-C-G.
Other names: c.7093G>C, p.Val2365Leu (NM_173054.3); short protein forms V2365L.
Identifiers: ClinVar variation 1900153 (VCV001900153.5), dbSNP rs756299161, ClinGen allele CA368769163.
Genomic context (GRCh38, chr7:103,539,165, plus strand): 5'-AGGCAGCGAAGTCTATCTGTAGGAAGGAATCCTCATTCACGGCAACGTCTGTGCTGACCA[C>G]GTAACGGGTGCTGGCCTTTTCAATGAAGACCAGGGCATCACCAGTAGAGCCACACACGGG-3'
Protein context (NP_005036.2, residues 2355-2375): VFIEKASTRY[Val2365Leu]VSTDVAVNED

ClinVar aggregate classification (germline): Uncertain significance (1 of 4 stars; one submission).

Conditions:
Familial temporal lobe epilepsy 7. Identifiers: Orphanet 101046, MedGen C4225327, MONDO:0014639, OMIM 616436.
Norman-Roberts syndrome (LIS2). Also called: Lissencephaly 2 (Norman-Roberts type). Identifiers: Orphanet 89844, MedGen C0796089, MONDO:0009760, OMIM 257320.

Submission:

Labcorp Genetics (formerly Invitae), Labcorp
Classification: Uncertain significance for Familial temporal lobe epilepsy 7; Norman-Roberts syndrome. Last evaluated: 2022-09-18. Review status: criteria provided, single submitter. Criteria: Invitae Variant Classification Sherloc (09022015). Collection method: clinical testing. Allele origin: germline.
Comment: This variant is not present in population databases (gnomAD no frequency). This variant has not been reported in the literature in individuals affected with RELN-related conditions. Advanced modeling of protein sequence and biophysical properties (such as structural, functional, and spatial information, amino acid conservation, physicochemical variation, residue mobility, and thermodynamic stability) performed at Invitae indicates that this missense variant is not expected to disrupt RELN protein function. In summary, the available evidence is currently insufficient to determine the role of this variant in disease. Therefore, it has been classified as a Variant of Uncertain Significance. This sequence change replaces valine, which is neutral and non-polar, with leucine, which is neutral and non-polar, at codon 2365 of the RELN protein (p.Val2365Leu).